The following is an entry in ClinVar:

NM_198578.4(LRRK2):c.4406T>A (p.Ile1469Asn)

Gene: LRRK2 (leucine rich repeat kinase 2; plus strand). Cytogenetic location: 12q12.
Variant type: single nucleotide variant.
Coding change: c.4406T>A on transcript NM_198578.4 (MANE Select); coding-DNA position 4406, T replaced by A.
Protein change: p.Ile1469Asn; replaces isoleucine 1469 with asparagine.
Molecular consequence: missense variant.
Genome position (GRCh38, 1-based): chr12:40,310,519, T>A. VCF-style: chr12-40310519-T-A. GRCh37 (hg19) VCF-style: chr12-40704321-T-A.
Other names: short protein forms I1469N.
Identifiers: ClinVar variation 3540728 (VCV003540728.1).

ClinVar aggregate classification (germline): Uncertain significance (1 of 4 stars; one submission).

Conditions:
Inborn genetic diseases. Identifiers: MedGen C0950123, MeSH D030342.

gnomAD v4.1: 1 of 1,612,672 alleles (0.000062%); highest among the groups gnomAD compares: African/African-American, 0.0013%; no homozygotes.

Submission:

Ambry Genetics
Classification: Uncertain significance for Inborn genetic diseases. Last evaluated: 2024-10-12. Review status: criteria provided, single submitter. Criteria: Ambry Variant Classification Scheme 2023. Collection method: clinical testing. Allele origin: germline.
Comment: The p.I1469N variant (also known as c.4406T>A), located in coding exon 31 of the LRRK2 gene, results from a T to A substitution at nucleotide position 4406. The isoleucine at codon 1469 is replaced by asparagine, an amino acid with dissimilar properties. This amino acid position is conserved. In addition, the in silico prediction for this alteration is inconclusive. Based on the available evidence, the clinical significance of this variant remains unclear.